The following is an entry in ClinVar:

NM_000277.3(PAH):c.775G>A (p.Ala259Thr)

Gene: PAH (phenylalanine hydroxylase; minus strand). Cytogenetic location: 12q23.2.
Variant type: single nucleotide variant.
Coding change: c.775G>A on transcript NM_000277.3 (MANE Select); coding-DNA position 775, G replaced by A.
Protein change: p.Ala259Thr; replaces alanine 259 with threonine.
Molecular consequence: missense variant.
Genome position (GRCh38, 1-based): chr12:102,852,882, C>T on the plus strand (G>A on the coding strand, the complement: PAH is on the minus strand). VCF-style: chr12-102852882-C-T. GRCh37 (hg19) VCF-style: chr12-103246660-C-T.
Other names: c.775G>A, p.Ala259Thr (NM_001354304.2); short protein forms A259T.
Identifiers: ClinVar variation 102831 (VCV000102831.15), dbSNP rs62642932, ClinGen allele CA229755.

ClinVar aggregate classification (germline): Pathogenic. Review status: criteria provided, multiple submitters, no conflicts (2 of 4 stars). 4 submissions from 4 submitters: Pathogenic (2). 2 of the submissions do not count toward it. Last evaluated 2023-08-27.

Conditions:
Phenylketonuria (PKU). Also called: Phenylketonuria (PKU); FOLLING DISEASE; OLIGOPHRENIA PHENYLPYRUVICA; Phenylketonurias. Identifiers: Orphanet 716, MedGen C0031485, MONDO:0009861, OMIM 261600. Disease mechanism: loss of function.

Allele frequency attached by ClinVar (database versions not stated): gnomAD exomes 0.00001 and below 0.00001; ExAC 0.00001.
gnomAD v4.1: 3 of 1,614,038 alleles (0.00019%); highest among the groups gnomAD compares: East Asian, 0.0067%; no homozygotes.

Submissions (4):

Labcorp Genetics (formerly Invitae), Labcorp
Classification: Pathogenic for Phenylketonuria. Last evaluated: 2023-08-27. Review status: criteria provided, single submitter. Criteria: Invitae Variant Classification Sherloc (09022015). Collection method: clinical testing. Allele origin: germline.
Comment: This variant disrupts the p.Ala259 amino acid residue in PAH. Other variant(s) that disrupt this residue have been determined to be pathogenic (PMID: 2035532, 18299955, 26666653). This suggests that this residue is clinically significant, and that variants that disrupt this residue are likely to be disease-causing. Experimental studies have shown that this missense change affects PAH function (PMID: 9799096, 10980574, 17924342, 21953985). Advanced modeling of protein sequence and biophysical properties (such as structural, functional, and spatial information, amino acid conservation, physicochemical variation, residue mobility, and thermodynamic stability) performed at Invitae indicates that this missense variant is expected to disrupt PAH protein function. ClinVar contains an entry for this variant (Variation ID: 102831). This missense change has been observed in individual(s) with phenylketonuria (PMID: 8831077, 18985011). This variant is present in population databases (rs62642932, gnomAD 0.006%). This sequence change replaces alanine, which is neutral and non-polar, with threonine, which is neutral and polar, at codon 259 of the PAH protein (p.Ala259Thr). For these reasons, this variant has been classified as Pathogenic.

Juno Genomics, Hangzhou Juno Genomics, Inc
Classification: Pathogenic for Phenylketonuria. Review status: criteria provided, single submitter. Criteria: ACMG Guidelines, 2015. Collection method: clinical testing. Allele origin: germline. Affected: yes.
Comment: Absent from controls (or at extremely low frequency if recessive) in Genome Aggregation Database, Exome Sequencing Project, 1000 Genomes Project, or Exome Aggregation Consortium.;For recessive disorders, detected in trans with a pathogenic variant.;Well-established in vitro or in vivo functional studies supportive of a damaging effect on the gene or gene product.;Multiple lines of computational evidence support a deleterious effect on the gene or gene product (conservation, evolutionary, splicing impact, etc).

Counsyl
Classification: Likely pathogenic for Phenylketonuria. Last evaluated: 2016-03-08. Review status: no assertion criteria provided. Collection method: clinical testing. Allele origin: unknown. Not counted in ClinVar's aggregate classification.

DeBelle Laboratory for Biochemical Genetics, MUHC/MCH RESEARCH INSTITUTE
No classification provided. Review status: no classification provided. Collection method: not provided. Allele origin: not provided. Not counted in ClinVar's aggregate classification.

Literature cited by the submitters: PubMed 2035532 (cited by Labcorp Genetics (formerly Invitae), Labcorp); PubMed 18299955 (cited by Labcorp Genetics (formerly Invitae), Labcorp); PubMed 26666653 (cited by Labcorp Genetics (formerly Invitae), Labcorp); PubMed 9799096 (cited by Labcorp Genetics (formerly Invitae), Labcorp); PubMed 10980574 (cited by Labcorp Genetics (formerly Invitae), Labcorp); PubMed 17924342 (cited by Labcorp Genetics (formerly Invitae), Labcorp and Counsyl); PubMed 21953985 (cited by Labcorp Genetics (formerly Invitae), Labcorp and Counsyl); PubMed 8831077 (cited by Labcorp Genetics (formerly Invitae), Labcorp and Counsyl); PubMed 18985011 (cited by Labcorp Genetics (formerly Invitae), Labcorp and Counsyl); PubMed 23932990 (cited by Counsyl); PubMed 21307867 (cited by Counsyl); PubMed 14654665 (cited by Counsyl); PubMed 11142755 (cited by Counsyl); PubMed 24510568 (cited by Counsyl); PubMed 15503242 (cited by Counsyl); PubMed 17935162 (cited by Counsyl); PubMed 8304187 (cited by Counsyl).